The following is an entry in ClinVar:

ClinVar aggregate classification (germline): Uncertain significance (1 of 4 stars; one submission).

Conditions:
GLI3-related disorder. Also called: GLI3-related condition; GLI3-related disorders. Identifiers: MedGen CN239292.

gnomAD v4.1: 1 of 1,613,794 alleles (0.000062%); highest among the groups gnomAD compares: African/African-American, 0.0013%; no homozygotes.

Submission:

PreventionGenetics, part of Exact Sciences
Classification: Uncertain significance for GLI3-related condition. Last evaluated: 2025-10-13. Review status: criteria provided, single submitter. Criteria: ACMG Guidelines, 2015. Collection method: clinical testing. Allele origin: germline.
Comment: The GLI3 c.55T>C variant is predicted to result in the amino acid substitution p.Ser19Pro. To our knowledge, this variant has not been reported in the literature or in a large population database (gnomAD), indicating this variant is rare. At this time, the clinical significance of this variant is uncertain due to the absence of conclusive functional and genetic evidence.

NM_000168.6(GLI3):c.55T>C (p.Ser19Pro)

Gene: GLI3 (GLI family zinc finger 3; minus strand). Cytogenetic location: 7p14.1.
Variant type: single nucleotide variant.
Coding change: c.55T>C on transcript NM_000168.6 (MANE Select); coding-DNA position 55, T replaced by C.
Protein change: p.Ser19Pro; replaces serine 19 with proline.
Molecular consequence: missense variant.
Genome position (GRCh38, 1-based): chr7:42,223,199, A>G on the plus strand (T>C on the coding strand, the complement: GLI3 is on the minus strand). VCF-style: chr7-42223199-A-G. GRCh37 (hg19) VCF-style: chr7-42262798-A-G.
Other names: short protein forms S19P.
Identifiers: ClinVar variation 4994176 (VCV004994176.1).